The following is an entry in ClinVar:

NM_020738.4(KIDINS220):c.1692G>C (p.Leu564Phe)

Gene: KIDINS220 (kinase D interacting substrate 220; minus strand). Cytogenetic location: 2p25.1.
Variant type: single nucleotide variant.
Coding change: c.1692G>C on transcript NM_020738.4 (MANE Select); coding-DNA position 1692, G replaced by C.
Protein change: p.Leu564Phe; replaces leucine 564 with phenylalanine.
Molecular consequence: missense variant. On other transcripts: non-coding transcript variant (2).
Genome position (GRCh38, 1-based): chr2:8,788,742, C>G on the plus strand (G>C on the coding strand, the complement: KIDINS220 is on the minus strand). VCF-style: chr2-8788742-C-G. GRCh37 (hg19) VCF-style: chr2-8928872-C-G.
Other names: c.1695G>C, p.Leu565Phe (NM_001348729.2, NM_001348731.2, NM_001348734.2 and 3 more transcripts); c.1692G>C, p.Leu564Phe (NM_001348732.2, NM_001348735.2, NM_001348738.2 and 3 more transcripts); c.1566G>C, p.Leu522Phe (NM_001348736.2); short protein forms L522F, L564F, L565F.
Identifiers: ClinVar variation 1983837 (VCV001983837.8), dbSNP rs749891993, ClinGen allele CA1520123.

ClinVar aggregate classification (germline): Uncertain significance. Review status: criteria provided, multiple submitters, no conflicts (2 of 4 stars). 3 submissions from 3 submitters: Uncertain significance (3). Last evaluated 2026-04-13.

Conditions:
KIDINS220-related disorder. Also called: KIDINS220-related condition.
Inborn genetic diseases. Identifiers: MedGen C0950123, MeSH D030342.

Allele frequency attached by ClinVar (database versions not stated): gnomAD exomes 0.00002; ExAC 0.00004; TOPMed 0.00009.
gnomAD v4.1: 51 of 1,613,962 alleles (0.0032%); highest among the groups gnomAD compares: African/African-American, 0.017%; no homozygotes.

Submissions (3):

PreventionGenetics, part of Exact Sciences
Classification: Uncertain significance for KIDINS220-related condition. Last evaluated: 2026-04-13. Review status: criteria provided, single submitter. Criteria: ACMG Guidelines, 2015. Collection method: clinical testing. Allele origin: germline.
Comment: The KIDINS220 c.1692G>C variant is predicted to result in the amino acid substitution p.Leu564Phe. To our knowledge, this variant has not been reported in the literature. This variant is reported in 0.012% of alleles in individuals of African descent in gnomAD. At this time, the clinical significance of this variant is uncertain due to the absence of conclusive functional and genetic evidence.

Labcorp Genetics (formerly Invitae), Labcorp
Classification: Uncertain significance. Last evaluated: 2025-04-08. Review status: criteria provided, single submitter. Criteria: Invitae Variant Classification Sherloc (09022015). Collection method: clinical testing. Allele origin: germline.
Comment: This sequence change replaces leucine, which is neutral and non-polar, with phenylalanine, which is neutral and non-polar, at codon 564 of the KIDINS220 protein (p.Leu564Phe). This variant is present in population databases (rs749891993, gnomAD 0.01%). This variant has not been reported in the literature in individuals affected with KIDINS220-related conditions. ClinVar contains an entry for this variant (Variation ID: 1983837). An algorithm developed to predict the effect of missense changes on protein structure and function (PolyPhen-2) suggests that this variant is likely to be disruptive. In summary, the available evidence is currently insufficient to determine the role of this variant in disease. Therefore, it has been classified as a Variant of Uncertain Significance.

Ambry Genetics
Classification: Uncertain significance for Inborn genetic diseases. Last evaluated: 2021-08-09. Review status: criteria provided, single submitter. Criteria: Ambry Variant Classification Scheme 2023. Collection method: clinical testing. Allele origin: germline.